The following is an entry in ClinVar:

ClinVar aggregate classification (germline): Uncertain significance (1 of 4 stars; one submission).

Conditions:
Leber congenital amaurosis 1 (LCA1). Also called: Congenital absence of the rods and cones; Leber's congenital tapetoretinal degeneration; Leber's congenital tapetoretinal dysplasia; AMAUROSIS CONGENITA OF LEBER I; RETINAL BLINDNESS, CONGENITAL. Identifiers: Orphanet 65, MedGen C2931258, MONDO:0008764, OMIM 204000.
Cone-rod dystrophy 6 (CORD6). Also called: Cone dystrophy progressive; RETINAL CONE DYSTROPHY 2. Identifiers: Orphanet 1872, MedGen C1866293, MONDO:0011143, OMIM 601777.

Allele frequency attached by ClinVar (database versions not stated): gnomAD exomes below 0.00001; TOPMed below 0.00001; ESP Exome Variant Server 0.00008.
gnomAD v4.1: 3 of 1,581,684 alleles (0.00019%); highest among the groups gnomAD compares: African/African-American, 0.0013%; no homozygotes.

Submission:

Labcorp Genetics (formerly Invitae), Labcorp
Classification: Uncertain significance for Leber congenital amaurosis 1; Cone-rod dystrophy 6. Last evaluated: 2022-07-06. Review status: criteria provided, single submitter. Criteria: Invitae Variant Classification Sherloc (09022015). Collection method: clinical testing. Allele origin: germline.
Comment: This sequence change replaces arginine, which is basic and polar, with glutamine, which is neutral and polar, at codon 1090 of the GUCY2D protein (p.Arg1090Gln). The frequency data for this variant in the population databases is considered unreliable, as metrics indicate poor data quality at this position in the gnomAD database. This variant has not been reported in the literature in individuals affected with GUCY2D-related conditions. ClinVar contains an entry for this variant (Variation ID: 1056436). Algorithms developed to predict the effect of missense changes on protein structure and function are either unavailable or do not agree on the potential impact of this missense change (SIFT: "Deleterious"; PolyPhen-2: "Probably Damaging"; Align-GVGD: "Class C0"). In summary, the available evidence is currently insufficient to determine the role of this variant in disease. Therefore, it has been classified as a Variant of Uncertain Significance.

NM_000180.4(GUCY2D):c.3269G>A (p.Arg1090Gln)

Gene: GUCY2D (guanylate cyclase 2D, retinal; plus strand). Cytogenetic location: 17p13.1.
Variant type: single nucleotide variant.
Coding change: c.3269G>A on transcript NM_000180.4 (MANE Select); coding-DNA position 3269, G replaced by A.
Protein change: p.Arg1090Gln; replaces arginine 1090 with glutamine.
Molecular consequence: missense variant.
Genome position (GRCh38, 1-based): chr17:8,016,487, G>A. VCF-style: chr17-8016487-G-A. GRCh37 (hg19) VCF-style: chr17-7919805-G-A.
Other names: short protein forms R1090Q.
Identifiers: ClinVar variation 1056436 (VCV001056436.6), dbSNP rs371952237, ClinGen allele CA8366373.